The following is an entry in ClinVar:

ClinVar aggregate classification (germline): Uncertain significance (1 of 4 stars; one submission).

Conditions:
Succinate-semialdehyde dehydrogenase deficiency (SSADHD). Also called: Succinic Semialdehyde Dehydrogenase Deficiency; SSADH DEFICIENCY; 4-HYDROXYBUTYRIC ACIDURIA; GABA METABOLIC DEFECT. Identifiers: Orphanet 22, MedGen C0268631, MONDO:0010083, OMIM 271980.

Allele frequency attached by ClinVar (database versions not stated): gnomAD 0.00001; TOPMed 0.00001.
gnomAD v4.1: 4 of 1,613,932 alleles (0.00025%); highest among the groups gnomAD compares: African/African-American, 0.0013%; no homozygotes.

Submission:

Labcorp Genetics (formerly Invitae), Labcorp
Classification: Uncertain significance for Succinate-semialdehyde dehydrogenase deficiency. Last evaluated: 2022-07-20. Review status: criteria provided, single submitter. Criteria: Invitae Variant Classification Sherloc (09022015). Collection method: clinical testing. Allele origin: germline.
Comment: This variant is not present in population databases (gnomAD no frequency). In summary, the available evidence is currently insufficient to determine the role of this variant in disease. Therefore, it has been classified as a Variant of Uncertain Significance. Advanced modeling of protein sequence and biophysical properties (such as structural, functional, and spatial information, amino acid conservation, physicochemical variation, residue mobility, and thermodynamic stability) performed at Invitae indicates that this missense variant is not expected to disrupt ALDH5A1 protein function. ClinVar contains an entry for this variant (Variation ID: 845341). This variant has not been reported in the literature in individuals affected with ALDH5A1-related conditions. This sequence change replaces alanine, which is neutral and non-polar, with threonine, which is neutral and polar, at codon 361 of the ALDH5A1 protein (p.Ala361Thr).

NM_001080.3(ALDH5A1):c.1081G>A (p.Ala361Thr)

Gene: ALDH5A1 (aldehyde dehydrogenase 5 family member A1; plus strand). Cytogenetic location: 6p22.3.
Variant type: single nucleotide variant.
Coding change: c.1081G>A on transcript NM_001080.3 (MANE Select); coding-DNA position 1081, G replaced by A.
Protein change: p.Ala361Thr; replaces alanine 361 with threonine.
Molecular consequence: missense variant.
Genome position (GRCh38, 1-based): chr6:24,522,833, G>A. VCF-style: chr6-24522833-G-A. GRCh37 (hg19) VCF-style: chr6-24523061-G-A.
Other names: c.937G>A, p.Ala313Thr (NM_001368954.1); c.1120G>A, p.Ala374Thr (NM_170740.1); short protein forms A313T, A361T, A374T.
Identifiers: ClinVar variation 845341 (VCV000845341.9), dbSNP rs1759722342, ClinGen allele CA362976149.
Genomic context (GRCh38, chr6:24,522,833, plus strand): 5'-GTTTGCTCAAACCAATTCTTGGTGCAAAGGGGCATCCATGATGCCTTTGTAAAAGCATTC[G>A]CCGAGGCCATGAAGAAGAACCTGCGCGTAGGTAATGGATTTGAGGAAGGAACTACTCAGG-3'
Protein context (NP_001071.1, residues 351-371): GIHDAFVKAF[Ala361Thr]EAMKKNLRVG